The following is an entry in ClinVar:

ClinVar aggregate classification (germline): Uncertain significance. Review status: criteria provided, multiple submitters, no conflicts (2 of 4 stars). 5 submissions from 5 submitters: Uncertain significance (4). 1 of the submissions does not count toward it. Last evaluated 2025-06-11.

Conditions:
Autosomal recessive nonsyndromic hearing loss 2. Also called: DEAFNESS, AUTOSOMAL RECESSIVE 2; NEUROSENSORY NONSYNDROMIC RECESSIVE DEAFNESS 2. Identifiers: Orphanet 90636, MedGen C1838701, MONDO:0010807, OMIM 600060.
Usher syndrome type 1 (USH1). Also called: RETINITIS PIGMENTOSA AND CONGENITAL DEAFNESS. Identifiers: Orphanet 231169, Orphanet 886, MedGen C1568247, MONDO:0010168, OMIM 276900.
Inborn genetic diseases. Identifiers: MedGen C0950123, MeSH D030342.

Allele frequency attached by ClinVar (database versions not stated): TOPMed below 0.00001; gnomAD exomes 0.00001 and 0.00002.
gnomAD v4.1: 25 of 1,599,506 alleles (0.0016%); highest among the groups gnomAD compares: Non-Finnish European, 0.0021%; no homozygotes.

Submissions (5):

Ambry Genetics
Classification: Uncertain significance for Inborn genetic diseases. Last evaluated: 2025-06-11. Review status: criteria provided, single submitter. Criteria: Ambry Variant Classification Scheme 2023. Collection method: clinical testing. Allele origin: germline.

Labcorp Genetics (formerly Invitae), Labcorp
Classification: Uncertain significance. Last evaluated: 2023-12-07. Review status: criteria provided, single submitter. Criteria: Invitae Variant Classification Sherloc (09022015). Collection method: clinical testing. Allele origin: germline.
Comment: This sequence change replaces isoleucine, which is neutral and non-polar, with valine, which is neutral and non-polar, at codon 1158 of the MYO7A protein (p.Ile1158Val). The frequency data for this variant in the population databases is considered unreliable, as metrics indicate poor data quality at this position in the gnomAD database. This variant has not been reported in the literature in individuals affected with MYO7A-related conditions. ClinVar contains an entry for this variant (Variation ID: 179514). Advanced modeling of protein sequence and biophysical properties (such as structural, functional, and spatial information, amino acid conservation, physicochemical variation, residue mobility, and thermodynamic stability) performed at Invitae indicates that this missense variant is not expected to disrupt MYO7A protein function with a negative predictive value of 95%. In summary, the available evidence is currently insufficient to determine the role of this variant in disease. Therefore, it has been classified as a Variant of Uncertain Significance.

GeneDx
Classification: Uncertain significance. Last evaluated: 2023-02-09. Review status: criteria provided, single submitter. Criteria: GeneDx Variant Classification Process June 2021. Collection method: clinical testing. Allele origin: germline. Affected: yes.
Comment: In silico analysis supports that this missense variant does not alter protein structure/function; Has not been previously published as pathogenic or benign to our knowledge

Laboratory for Molecular Medicine, Mass General Brigham Personalized Medicine
Classification: Uncertain significance. Last evaluated: 2014-01-13. Review status: criteria provided, single submitter. Criteria: LMM Criteria. Collection method: clinical testing. Allele origin: germline. Observed: 1 variant allele.
Comment: Variant classified as Uncertain Significance - Favor Benign. The Ile1158Val vari ant in MYO7A has not been previously reported in individuals with hearing loss. Data from large population studies is insufficient to assess the frequency of th is variant. Computational analyses (amino acid biochemical properties, conservat ion, AlignGVGD, PolyPhen2, SIFT) suggest that the Ile1158Val variant may not imp act the protein, though this information is not predictive enough to rule out pa thogenicity. In summary, the clinical significance of this variant cannot be det ermined with certainty; however based the computational data, we would lean towa rds a more likely benign role.

Counsyl
Classification: Uncertain significance for Usher syndrome type 1; Autosomal recessive nonsyndromic hearing loss 2. Last evaluated: 2018-01-10. Review status: no assertion criteria provided. Collection method: clinical testing. Allele origin: unknown. Not counted in ClinVar's aggregate classification.

NM_000260.4(MYO7A):c.3472A>G (p.Ile1158Val)

Gene: MYO7A (myosin VIIA; plus strand). Cytogenetic location: 11q13.5.
Variant type: single nucleotide variant.
Coding change: c.3472A>G on transcript NM_000260.4 (MANE Select); coding-DNA position 3472, A replaced by G.
Protein change: p.Ile1158Val; replaces isoleucine 1158 with valine.
Molecular consequence: missense variant.
Genome position (GRCh38, 1-based): chr11:77,184,684, A>G. VCF-style: chr11-77184684-A-G. GRCh37 (hg19) VCF-style: chr11-76895729-A-G.
Other names: NM_001127179.2:c.3472A>G; c.3472A>G, p.Ile1158Val (NM_001127180.2); c.3439A>G, p.Ile1147Val (NM_001369365.1); short protein forms I1158V, I1147V.
Identifiers: ClinVar variation 179514 (VCV000179514.11), dbSNP rs797044517, ClinGen allele CA184569.